The following is an entry in ClinVar:

ClinVar aggregate classification (germline): Uncertain significance (1 of 4 stars; one submission).

Allele frequency attached by ClinVar (database versions not stated): gnomAD exomes below 0.00001; gnomAD 0.00001; TOPMed 0.00001.
gnomAD v4.1: 7 of 1,614,092 alleles (0.00043%); highest among the groups gnomAD compares: Middle Eastern, 0.016%; no homozygotes.

Submission:

Athena Diagnostics
Classification: Uncertain significance. Last evaluated: 2022-09-22. Review status: criteria provided, single submitter. Criteria: Athena Diagnostics Criteria. Collection method: clinical testing. Allele origin: unknown.
Comment: Available data are insufficient to determine the clinical significance of the variant at this time. The frequency of this variant in the general population is uninformative in assessment of its pathogenicity. Computational tools predict that this variant is not damaging.

NM_001961.4(EEF2):c.766A>G (p.Met256Val)

Gene: EEF2 (eukaryotic translation elongation factor 2; minus strand). Cytogenetic location: 19p13.3.
Variant type: single nucleotide variant.
Coding change: c.766A>G on transcript NM_001961.4 (MANE Select); coding-DNA position 766, A replaced by G.
Protein change: p.Met256Val; replaces methionine 256 with valine.
Molecular consequence: missense variant.
Genome position (GRCh38, 1-based): chr19:3,982,271, T>C on the plus strand (A>G on the coding strand, the complement: EEF2 is on the minus strand). VCF-style: chr19-3982271-T-C. GRCh37 (hg19) VCF-style: chr19-3982269-T-C.
Other names: short protein forms M256V.
Identifiers: ClinVar variation 2684185 (VCV002684185.1), dbSNP rs1180823908, ClinGen allele CA403394171.